The following is an entry in ClinVar:

ClinVar aggregate classification (germline): Likely benign. Review status: criteria provided, multiple submitters, no conflicts (2 of 4 stars). 4 submissions from 4 submitters: Likely benign (4). Last evaluated 2025-05-08.

Conditions:
IGHMBP2-related disorder. Also called: IGHMBP2-related condition; IGHMBP2-related disorders.
Charcot-Marie-Tooth disease axonal type 2S. Also called: CHARCOT-MARIE-TOOTH DISEASE, AXONAL, AUTOSOMAL RECESSIVE, TYPE 2S; CHARCOT-MARIE-TOOTH NEUROPATHY, TYPE 2S. Identifiers: Orphanet 443073, MedGen C4015349, MONDO:0014511, OMIM 616155.
Autosomal recessive distal spinal muscular atrophy 1. Also called: HMN VI; SPINAL MUSCULAR ATROPHY, DIAPHRAGMATIC; Spinal muscular atrophy with respiratory distress 1; NEURONOPATHY, SEVERE INFANTILE AXONAL, WITH RESPIRATORY FAILURE; SEVERE INFANTILE AXONAL NEUROPATHY WITH RESPIRATORY FAILURE; NEURONOPATHY, DISTAL HEREDITARY MOTOR, HARDING TYPE VI. Identifiers: Orphanet 98920, MedGen C1858517, MONDO:0011436, OMIM 604320.
Inborn genetic diseases. Identifiers: MedGen C0950123, MeSH D030342.

Allele frequency attached by ClinVar (database versions not stated): gnomAD exomes 0.00002 and 0.00006; ExAC 0.00007; gnomAD 0.00007 and 0.00008; TOPMed 0.00010.
gnomAD v4.1: 35 of 1,607,336 alleles (0.0022%); highest among the groups gnomAD compares: African/African-American, 0.021%; no homozygotes.

Submissions (4):

PreventionGenetics, part of Exact Sciences
Classification: Likely benign for IGHMBP2-related condition. Last evaluated: 2025-05-08. Review status: criteria provided, single submitter. Criteria: ACMG Guidelines, 2015. Collection method: clinical testing. Allele origin: germline.
Comment: This variant is classified as likely benign based on ACMG/AMP sequence variant interpretation guidelines (Richards et al. 2015 PMID: 25741868, with internal and published modifications).

Labcorp Genetics (formerly Invitae), Labcorp
Classification: Likely benign for Autosomal recessive distal spinal muscular atrophy 1; Charcot-Marie-Tooth disease axonal type 2S. Last evaluated: 2024-10-29. Review status: criteria provided, single submitter. Criteria: Invitae Variant Classification Sherloc (09022015). Collection method: clinical testing. Allele origin: germline.

Ambry Genetics
Classification: Likely benign for Inborn genetic diseases. Last evaluated: 2019-07-11. Review status: criteria provided, single submitter. Criteria: Ambry Variant Classification Scheme 2023. Collection method: clinical testing. Allele origin: germline.

GeneDx
Classification: Likely benign. Last evaluated: 2017-03-07. Review status: criteria provided, single submitter. Criteria: GeneDx Variant Classification (06012015). Collection method: clinical testing. Allele origin: germline. Affected: yes.
Comment: This variant is considered likely benign or benign based on one or more of the following criteria: it is a conservative change, it occurs at a poorly conserved position in the protein, it is predicted to be benign by multiple in silico algorithms, and/or has population frequency not consistent with disease.

NM_002180.3(IGHMBP2):c.1482C>T (p.Ala494=)

Gene: IGHMBP2 (immunoglobulin mu DNA binding protein 2; plus strand). Cytogenetic location: 11q13.3.
Variant type: single nucleotide variant.
Coding change: c.1482C>T on transcript NM_002180.3 (MANE Select); coding-DNA position 1482, C replaced by T.
Protein change: p.Ala494=; no amino-acid change (alanine 494 retained).
Molecular consequence: synonymous variant.
Genome position (GRCh38, 1-based): chr11:68,933,858, C>T. VCF-style: chr11-68933858-C-T. GRCh37 (hg19) VCF-style: chr11-68701326-C-T.
Identifiers: ClinVar variation 507676 (VCV000507676.15), dbSNP rs773180915, ClinGen allele CA6153659.